The following is an entry in ClinVar:

ClinVar aggregate classification (germline): Uncertain significance. Review status: criteria provided, multiple submitters, no conflicts (2 of 4 stars). 2 submissions from 2 submitters: Uncertain significance (2). Last evaluated 2022-04-23.

Conditions:
Infantile-onset ascending hereditary spastic paralysis (IAHSP). Also called: Autosomal Recessive Juvenile Amyotrophic Lateral Sclerosis; Infantile-Onset Ascending Hereditary Spastic Paralysis (IAHSP). Identifiers: Orphanet 293168, MedGen C2931441, MONDO:0011797, OMIM 607225. Disease mechanism: loss of function.

Allele frequency attached by ClinVar (database versions not stated): gnomAD exomes below 0.00001.

Submissions (2):

Labcorp Genetics (formerly Invitae), Labcorp
Classification: Uncertain significance for Infantile-onset ascending hereditary spastic paralysis. Last evaluated: 2022-04-23. Review status: criteria provided, single submitter. Criteria: Invitae Variant Classification Sherloc (09022015). Collection method: clinical testing. Allele origin: germline.
Comment: This sequence change replaces glutamic acid, which is acidic and polar, with lysine, which is basic and polar, at codon 76 of the ALS2 protein (p.Glu76Lys). This variant is not present in population databases (gnomAD no frequency). This variant has not been reported in the literature in individuals affected with ALS2-related conditions. Algorithms developed to predict the effect of missense changes on protein structure and function (SIFT, PolyPhen-2, Align-GVGD) all suggest that this variant is likely to be tolerated. In summary, the available evidence is currently insufficient to determine the role of this variant in disease. Therefore, it has been classified as a Variant of Uncertain Significance.

Athena Diagnostics
Classification: Uncertain significance. Last evaluated: 2021-11-24. Review status: criteria provided, single submitter. Criteria: Athena Diagnostics Criteria. Collection method: clinical testing. Allele origin: unknown.

NM_020919.4(ALS2):c.226G>A (p.Glu76Lys)

Gene: ALS2 (alsin Rho guanine nucleotide exchange factor ALS2; minus strand). Cytogenetic location: 2q33.1.
Variant type: single nucleotide variant.
Coding change: c.226G>A on transcript NM_020919.4 (MANE Select); coding-DNA position 226, G replaced by A.
Protein change: p.Glu76Lys; replaces glutamic acid 76 with lysine.
Molecular consequence: missense variant.
Genome position (GRCh38, 1-based): chr2:201,761,768, C>T on the plus strand (G>A on the coding strand, the complement: ALS2 is on the minus strand). VCF-style: chr2-201761768-C-T. GRCh37 (hg19) VCF-style: chr2-202626491-C-T.
Other names: c.226G>A, p.Glu76Lys (NM_001135745.2); short protein forms E76K.
Identifiers: ClinVar variation 1474067 (VCV001474067.7), dbSNP rs2106090105, ClinGen allele CA350329316.